The following is an entry in ClinVar:

NM_001353214.3(DYM):c.2003C>T (p.Ala668Val)

Gene: DYM (dymeclin; minus strand). Cytogenetic location: 18q21.1.
Variant type: single nucleotide variant.
Coding change: c.2003C>T on transcript NM_001353214.3 (MANE Select); coding-DNA position 2003, C replaced by T.
Protein change: p.Ala668Val; replaces alanine 668 with valine.
Molecular consequence: missense variant. On other transcripts: intron variant (3).
Genome position (GRCh38, 1-based): chr18:49,097,424, G>A on the plus strand (C>T on the coding strand, the complement: DYM is on the minus strand). VCF-style: chr18-49097424-G-A. GRCh37 (hg19) VCF-style: chr18-46623794-G-A.
Other names: c.1835C>T, p.Ala612Val (NM_001353210.3, NM_001353211.3); c.2000C>T, p.Ala667Val (NM_001353212.3, NM_001353213.3); c.1820C>T, p.Ala607Val (NM_001353215.3); c.1655C>T, p.Ala552Val (NM_001353216.3, NM_001374437.1); c.2003C>T, p.Ala668Val (NM_001374428.1, NM_001374430.1); c.1997C>T, p.Ala666Val (NM_001374429.1); c.1877C>T, p.Ala626Val (NM_001374432.1); c.1838C>T, p.Ala613Val (NM_001374433.1, NM_017653.6); and 12 more; short protein forms A362V, A537V, A667V, A423V, A478V, A571V, A626V, A550V.
Identifiers: ClinVar variation 1519963 (VCV001519963.8), dbSNP rs201477312, ClinGen allele CA8957941.

ClinVar aggregate classification (germline): Uncertain significance. Review status: criteria provided, multiple submitters, no conflicts (2 of 4 stars). 2 submissions from 2 submitters: Uncertain significance (2). Last evaluated 2024-11-27.

Conditions:
Inborn genetic diseases. Identifiers: MedGen C0950123, MeSH D030342.

Allele frequency attached by ClinVar (database versions not stated): ExAC 0.00005; gnomAD exomes 0.00005 and 0.00008; gnomAD 0.00006; TOPMed 0.00007; ESP Exome Variant Server 0.00015.
gnomAD v4.1: 124 of 1,613,840 alleles (0.0077%); highest among the groups gnomAD compares: Non-Finnish European, 0.0094%; no homozygotes.

Submissions (2):

Labcorp Genetics (formerly Invitae), Labcorp
Classification: Uncertain significance. Last evaluated: 2024-11-27. Review status: criteria provided, single submitter. Criteria: Invitae Variant Classification Sherloc (09022015). Collection method: clinical testing. Allele origin: germline.
Comment: This sequence change replaces alanine, which is neutral and non-polar, with valine, which is neutral and non-polar, at codon 613 of the DYM protein (p.Ala613Val). This variant is present in population databases (rs201477312, gnomAD 0.01%). This variant has not been reported in the literature in individuals affected with DYM-related conditions. ClinVar contains an entry for this variant (Variation ID: 1519963). Invitae Evidence Modeling of protein sequence and biophysical properties (such as structural, functional, and spatial information, amino acid conservation, physicochemical variation, residue mobility, and thermodynamic stability) indicates that this missense variant is not expected to disrupt DYM protein function with a negative predictive value of 80%. In summary, the available evidence is currently insufficient to determine the role of this variant in disease. Therefore, it has been classified as a Variant of Uncertain Significance.

Ambry Genetics
Classification: Uncertain significance for Inborn genetic diseases. Last evaluated: 2024-05-10. Review status: criteria provided, single submitter. Criteria: Ambry Variant Classification Scheme 2023. Collection method: clinical testing. Allele origin: germline.